The following is an entry in ClinVar:

ClinVar aggregate classification (germline): Uncertain significance. Review status: criteria provided, multiple submitters, no conflicts (2 of 4 stars). 3 submissions from 3 submitters: Uncertain significance (3). Last evaluated 2023-10-05.

Conditions:
RASopathy. Also called: rasopathies; Noonan spectrum disorder. Identifiers: Orphanet 536391, MedGen C5555857, MONDO:0021060.
Cardiovascular phenotype. Identifiers: MedGen CN230736.

gnomAD v4.1: 6 of 1,613,964 alleles (0.00037%); highest among the groups gnomAD compares: African/African-American, 0.0013%; no homozygotes.

Submissions (3):

Labcorp Genetics (formerly Invitae), Labcorp
Classification: Uncertain significance for RASopathy. Last evaluated: 2023-10-05. Review status: criteria provided, single submitter. Criteria: Invitae Variant Classification Sherloc (09022015). Collection method: clinical testing. Allele origin: germline.
Comment: This sequence change replaces lysine, which is basic and polar, with arginine, which is basic and polar, at codon 134 of the CBL protein (p.Lys134Arg). This variant is not present in population databases (gnomAD no frequency). This variant has not been reported in the literature in individuals affected with CBL-related conditions. ClinVar contains an entry for this variant (Variation ID: 1337423). Advanced modeling of protein sequence and biophysical properties (such as structural, functional, and spatial information, amino acid conservation, physicochemical variation, residue mobility, and thermodynamic stability) has been performed at Invitae for this missense variant, however the output from this modeling did not meet the statistical confidence thresholds required to predict the impact of this variant on CBL protein function. Algorithms developed to predict the effect of sequence changes on RNA splicing suggest that this variant may disrupt the consensus splice site. In summary, the available evidence is currently insufficient to determine the role of this variant in disease. Therefore, it has been classified as a Variant of Uncertain Significance.

Ambry Genetics
Classification: Uncertain significance for Cardiovascular phenotype. Last evaluated: 2023-02-18. Review status: criteria provided, single submitter. Criteria: Ambry Variant Classification Scheme 2023. Collection method: clinical testing. Allele origin: germline.
Comment: The p.K134R variant (also known as c.401A>G), located in coding exon 2 of the CBL gene, results from an A to G substitution at nucleotide position 401. The lysine at codon 134 is replaced by arginine, an amino acid with highly similar properties. This amino acid position is conserved. In addition, the in silico prediction for this alteration is inconclusive. Since supporting evidence is limited at this time, the clinical significance of this alteration remains unclear.

Genetic Services Laboratory, University of Chicago
Classification: Uncertain significance. Last evaluated: 2019-10-22. Review status: criteria provided, single submitter. Criteria: ACMG Guidelines, 2015. Collection method: clinical testing. Allele origin: germline. Affected: no.

NM_005188.4(CBL):c.401A>G (p.Lys134Arg)

Gene: CBL (Cbl proto-oncogene; plus strand). Cytogenetic location: 11q23.3.
Variant type: single nucleotide variant.
Coding change: c.401A>G on transcript NM_005188.4 (MANE Select); coding-DNA position 401, A replaced by G.
Protein change: p.Lys134Arg; replaces lysine 134 with arginine.
Molecular consequence: missense variant.
Genome position (GRCh38, 1-based): chr11:119,232,653, A>G. VCF-style: chr11-119232653-A-G. GRCh37 (hg19) VCF-style: chr11-119103363-A-G.
Other names: c.401A>G (NM_005188.2); short protein forms K134R.
Identifiers: ClinVar variation 1337423 (VCV001337423.9), dbSNP rs2135266374, ClinGen allele CA382895702.